The following is an entry in ClinVar:

NM_004990.4(MARS1):c.1477C>T (p.Arg493Cys)

Gene: MARS1 (methionyl-tRNA synthetase 1; plus strand). Cytogenetic location: 12q13.3.
Variant type: single nucleotide variant.
Coding change: c.1477C>T on transcript NM_004990.4 (MANE Select); coding-DNA position 1477, C replaced by T.
Protein change: p.Arg493Cys; replaces arginine 493 with cysteine.
Molecular consequence: missense variant.
Genome position (GRCh38, 1-based): chr12:57,511,806, C>T. VCF-style: chr12-57511806-C-T. GRCh37 (hg19) VCF-style: chr12-57905589-C-T.
Other names: short protein forms R493C.
Identifiers: ClinVar variation 1681740 (VCV001681740.6), dbSNP rs747598332, ClinGen allele CA6650525.

ClinVar aggregate classification (germline): Uncertain significance (1 of 4 stars; one submission).

Conditions:
Charcot-Marie-Tooth disease axonal type 2U. Also called: CHARCOT-MARIE-TOOTH NEUROPATHY, TYPE 2U; CHARCOT-MARIE-TOOTH DISEASE, AXONAL, AUTOSOMAL DOMINANT, TYPE 2U. Identifiers: Orphanet 397735, MedGen C4084821, MONDO:0014566, OMIM 616280.
Severe early-onset pulmonary alveolar proteinosis due to MARS deficiency. Also called: PULMONARY ALVEOLAR PROTEINOSIS, REUNION ISLAND; Interstitial lung and liver disease. Identifiers: Orphanet 440427, MedGen C4225400, MONDO:0014206, OMIM 615486.

Allele frequency attached by ClinVar (database versions not stated): gnomAD 0.00001; ExAC 0.00002; gnomAD exomes 0.00001 and 0.00002; TOPMed 0.00002.
gnomAD v4.1: 22 of 1,614,066 alleles (0.0014%); highest among the groups gnomAD compares: South Asian, 0.0066%; no homozygotes.

Submission:

Labcorp Genetics (formerly Invitae), Labcorp
Classification: Uncertain significance for Charcot-Marie-Tooth disease axonal type 2U; Severe early-onset pulmonary alveolar proteinosis due to MARS deficiency. Last evaluated: 2025-02-04. Review status: criteria provided, single submitter. Criteria: Invitae Variant Classification Sherloc (09022015). Collection method: clinical testing. Allele origin: germline.
Comment: This sequence change replaces arginine, which is basic and polar, with cysteine, which is neutral and slightly polar, at codon 493 of the MARS protein (p.Arg493Cys). This variant is present in population databases (rs747598332, gnomAD 0.006%). This variant has not been reported in the literature in individuals affected with MARS-related conditions. ClinVar contains an entry for this variant (Variation ID: 1681740). An algorithm developed to predict the effect of missense changes on protein structure and function (PolyPhen-2) suggests that this variant is likely to be disruptive. In summary, the available evidence is currently insufficient to determine the role of this variant in disease. Therefore, it has been classified as a Variant of Uncertain Significance.